The following is an entry in ClinVar:

ClinVar aggregate classification (germline): Uncertain significance (1 of 4 stars; one submission).

Allele frequency attached by ClinVar (database versions not stated): ExAC 0.00003; TOPMed 0.00004; gnomAD 0.00005 and 0.00006.
gnomAD v4.1: 34 of 1,593,856 alleles (0.0021%); highest among the groups gnomAD compares: Non-Finnish European, 0.0027%; no homozygotes.

Submission:

Labcorp Genetics (formerly Invitae), Labcorp
Classification: Uncertain significance. Last evaluated: 2026-01-04. Review status: criteria provided, single submitter. Criteria: Invitae Variant Classification Sherloc (09022015). Collection method: clinical testing. Allele origin: germline.
Comment: This sequence change replaces threonine, which is neutral and polar, with alanine, which is neutral and non-polar, at codon 70 of the SPPL2A protein (p.Thr70Ala). This variant is present in population databases (rs750011761, gnomAD 0.009%). This variant has not been reported in the literature in individuals affected with SPPL2A-related conditions. ClinVar contains an entry for this variant (Variation ID: 1498146). An algorithm developed to predict the effect of missense changes on protein structure and function (PolyPhen-2) suggests that this variant is likely to be disruptive. In summary, the available evidence is currently insufficient to determine the role of this variant in disease. Therefore, it has been classified as a Variant of Uncertain Significance.

NM_032802.4(SPPL2A):c.208A>G (p.Thr70Ala)

Gene: SPPL2A (signal peptide peptidase like 2A; minus strand). Cytogenetic location: 15q21.2.
Variant type: single nucleotide variant.
Coding change: c.208A>G on transcript NM_032802.4 (MANE Select); coding-DNA position 208, A replaced by G.
Protein change: p.Thr70Ala; replaces threonine 70 with alanine.
Molecular consequence: missense variant.
Genome position (GRCh38, 1-based): chr15:50,748,840, T>C on the plus strand (A>G on the coding strand, the complement: SPPL2A is on the minus strand). VCF-style: chr15-50748840-T-C. GRCh37 (hg19) VCF-style: chr15-51041037-T-C.
Other names: short protein forms T70A.
Identifiers: ClinVar variation 1498146 (VCV001498146.8), dbSNP rs750011761, ClinGen allele CA7558548.